The following is an entry in ClinVar:

ClinVar aggregate classification (germline): Conflicting classifications of pathogenicity. Review status: criteria provided, conflicting classifications (1 of 4 stars). 4 submissions from 4 submitters: Pathogenic (2); Likely pathogenic (1); Uncertain significance (1). Last evaluated 2025-06-29.

Conditions:
CSPP1-related disorder. Also called: CSPP1-related condition.
Joubert syndrome 21 (JBTS21). Identifiers: MedGen C3810212, MONDO:0014288, OMIM 615636.

Allele frequency attached by ClinVar (database versions not stated): gnomAD 0.00001; TOPMed 0.00002; gnomAD exomes 0.00005; ExAC 0.00007.
gnomAD v4.1: 46 of 1,601,704 alleles (0.0029%); highest among the groups gnomAD compares: East Asian, 0.036%; no homozygotes.

Submissions (4):

Labcorp Genetics (formerly Invitae), Labcorp
Classification: Pathogenic for Joubert syndrome 21. Last evaluated: 2025-06-29. Review status: criteria provided, single submitter. Criteria: Invitae Variant Classification Sherloc (09022015). Collection method: clinical testing. Allele origin: germline.
Comment: This sequence change creates a premature translational stop signal (p.Arg405*) in the CSPP1 gene. It is expected to result in an absent or disrupted protein product. Loss-of-function variants in CSPP1 are known to be pathogenic (PMID: 24360807, 24360808). The frequency data for this variant in the population databases is considered unreliable, as metrics indicate poor data quality at this position in the gnomAD database. This variant has not been reported in the literature in individuals affected with CSPP1-related conditions. ClinVar contains an entry for this variant (Variation ID: 1320074). For these reasons, this variant has been classified as Pathogenic.

GeneDx
Classification: Uncertain significance. Last evaluated: 2025-06-26. Review status: criteria provided, single submitter. Criteria: GeneDx Variant Classification Process June 2021. Collection method: clinical testing. Allele origin: germline. Affected: yes.
Comment: Reported previously in a cohort of patients from the Human Genome Project; however, no further information was provided (PMID: 31980526); Reported previously in an unaffected carrier; however, no further information was provided (PMID: 31964843); Nonsense variant predicted to result in protein truncation or nonsense mediated decay in a gene for which loss of function is a known mechanism of disease; This variant is associated with the following publications: (PMID: 31964843, 31980526)

3billion
Classification: Pathogenic for Joubert syndrome 21. Last evaluated: 2024-11-16. Review status: criteria provided, single submitter. Criteria: ACMG Guidelines, 2015. Collection method: clinical testing. Allele origin: germline. Affected: yes.
Comment: The variant is observed at an extremely low frequency in the gnomAD v4.1.0 dataset (total allele frequency: 0.003%). Predicted Consequence/Location: Stop-gained (nonsense): predicted to result in a loss or disruption of normal protein function through nonsense-mediated decay (NMD) or protein truncation. Multiple pathogenic variants are reported downstream of the variant. The variant has been reported at least twice as pathogenic with clinical assertions and evidence for the classification (ClinVar ID: VCV001320074 /3billion dataset). Therefore, this variant is classified as Pathogenic according to the recommendation of ACMG/AMP guideline.

Blueprint Genetics
Classification: Likely pathogenic for CSPP1-related disorders. Last evaluated: 2024-06-18. Review status: criteria provided, single submitter. Criteria: ACMG Guidelines, 2015. Collection method: clinical testing. Allele origin: germline. Affected: yes. Observed: 4 variant alleles.

Literature cited by the submitters: PubMed 24360807 (cited by Labcorp Genetics (formerly Invitae), Labcorp); PubMed 24360808 (cited by Labcorp Genetics (formerly Invitae), Labcorp).

NM_001382391.1(CSPP1):c.1186C>T (p.Arg396Ter)

Gene: CSPP1 (centrosome and spindle pole associated protein 1; plus strand). Cytogenetic location: 8q13.2.
Variant type: single nucleotide variant.
Coding change: c.1186C>T on transcript NM_001382391.1 (MANE Select); coding-DNA position 1186, C replaced by T.
Protein change: p.Arg396Ter; replaces arginine 396 with a stop codon.
Molecular consequence: nonsense.
Genome position (GRCh38, 1-based): chr8:67,112,064, C>T. VCF-style: chr8-67112064-C-T. GRCh37 (hg19) VCF-style: chr8-68024299-C-T.
Other names: c.331C>T, p.Arg111Ter (NM_001291339.2); c.1105C>T, p.Arg369Ter (NM_001363131.2, NM_001363133.2); c.1186C>T, p.Arg396Ter (NM_001363132.2); c.1294C>T, p.Arg432Ter (NM_001364869.1); c.1114C>T, p.Arg372Ter (NM_001364870.1); c.1213C>T, p.Arg405Ter (NM_024790.7); short protein forms R111*, R369*, R372*, R396*, R405*, R432*.
Identifiers: ClinVar variation 1320074 (VCV001320074.7), dbSNP rs775285273, ClinGen allele CA4770469.